The following is an entry in ClinVar:

NM_003285.3(TNR):c.1814G>A (p.Arg605His)

Gene: TNR (tenascin R; minus strand). Cytogenetic location: 1q25.1.
Variant type: single nucleotide variant.
Coding change: c.1814G>A on transcript NM_003285.3 (MANE Select); coding-DNA position 1814, G replaced by A.
Protein change: p.Arg605His; replaces arginine 605 with histidine.
Molecular consequence: missense variant.
Genome position (GRCh38, 1-based): chr1:175,379,701, C>T on the plus strand (G>A on the coding strand, the complement: TNR is on the minus strand). VCF-style: chr1-175379701-C-T. GRCh37 (hg19) VCF-style: chr1-175348837-C-T.
Other names: c.815G>A, p.Arg272His (NM_001328635.2); short protein forms R272H, R605H.
Identifiers: ClinVar variation 2463497 (VCV002463497.15), dbSNP rs376736413, ClinGen allele CA1255810.

ClinVar aggregate classification (germline): Uncertain significance. Review status: criteria provided, multiple submitters, no conflicts (2 of 4 stars). 2 submissions from 2 submitters: Uncertain significance (2). Last evaluated 2025-01-01.

Conditions:
Inborn genetic diseases. Identifiers: MedGen C0950123, MeSH D030342.

Allele frequency attached by ClinVar (database versions not stated): ExAC 0.00003; gnomAD 0.00007; TOPMed 0.00008; ESP Exome Variant Server 0.00023.
gnomAD v4.1: 99 of 1,614,010 alleles (0.0061%); highest among the groups gnomAD compares: Non-Finnish European, 0.0076%; no homozygotes.

Submissions (2):

CeGaT Center for Human Genetics Tuebingen
Classification: Uncertain significance. Last evaluated: 2025-01-01. Review status: criteria provided, single submitter. Criteria: CeGaT Center For Human Genetics Tuebingen Variant Classification Criteria Version 2. Collection method: clinical testing. Allele origin: germline. Affected: yes. Observed: 1 variant allele.
Comment: TNR: PM2, BP4

Ambry Genetics
Classification: Uncertain significance for Inborn genetic diseases. Last evaluated: 2023-02-27. Review status: criteria provided, single submitter. Criteria: Ambry Variant Classification Scheme 2023. Collection method: clinical testing. Allele origin: germline.